The following is an entry in ClinVar:

ClinVar aggregate classification (germline): Pathogenic (1 of 4 stars; one submission).

Conditions:
Long QT syndrome (LQTS). Identifiers: MedGen C0023976, MeSH D008133, MONDO:0002442. Disease mechanism: loss of function. Inheritance: Various modes of inheritance.

Submission:

Labcorp Genetics (formerly Invitae), Labcorp
Classification: Pathogenic for Long QT syndrome. Last evaluated: 2023-11-21. Review status: criteria provided, single submitter. Criteria: Invitae Variant Classification Sherloc (09022015). Collection method: clinical testing. Allele origin: germline.
Comment: This sequence change creates a premature translational stop signal (p.Arg885Alafs*33) in the KCNH2 gene. It is expected to result in an absent or disrupted protein product. Loss-of-function variants in KCNH2 are known to be pathogenic (PMID: 10973849, 19862833). This variant is not present in population databases (gnomAD no frequency). This variant has not been reported in the literature in individuals affected with KCNH2-related conditions. ClinVar contains an entry for this variant (Variation ID: 937320). For these reasons, this variant has been classified as Pathogenic.

Literature cited by the submitters: PubMed 10973849; PubMed 19862833.

NM_000238.4(KCNH2):c.2653_2657del (p.Arg885fs)

Gene: KCNH2 (potassium voltage-gated channel subfamily H member 2; minus strand). Cytogenetic location: 7q36.1.
Variant type: Deletion.
Coding change: c.2653_2657del on transcript NM_000238.4 (MANE Select); coding-DNA positions 2653 to 2657, 5 bases deleted (CGCAA; older notation c.2653_2657delCGCAA).
Protein change: p.Arg885fs; shifts the reading frame from arginine 885.
Molecular consequence: frameshift variant.
Genome position (GRCh38, 1-based): chr7:150,948,479-150,948,483, TTGCG deleted on the plus strand (CGCAA on the coding strand, the reverse complement: KCNH2 is on the minus strand); deleting any 5 consecutive bases within chr7:150,948,479-150,948,487 gives the same sequence; the c. name uses the placement nearest the transcript's 3' end. VCF-style (leftmost placement, unchanged base first): chr7-150948478-CTTGCG-C. GRCh37 (hg19) VCF-style: chr7-150645566-CTTGCG-C.
Other names: c.1633_1637del, p.Arg545fs (NM_172057.3); short protein forms R545fs, R885fs.
Identifiers: ClinVar variation 937320 (VCV000937320.7), dbSNP rs1801007403, ClinGen allele CA1139660338.